The following is an entry in ClinVar:

NM_138576.4(BCL11B):c.305C>T (p.Ser102Leu)

Gene: BCL11B (BCL11 transcription factor B; minus strand). Cytogenetic location: 14q32.2.
Variant type: single nucleotide variant.
Coding change: c.305C>T on transcript NM_138576.4 (MANE Select); coding-DNA position 305, C replaced by T.
Protein change: p.Ser102Leu; replaces serine 102 with leucine.
Molecular consequence: missense variant.
Genome position (GRCh38, 1-based): chr14:99,257,593, G>A on the plus strand (C>T on the coding strand, the complement: BCL11B is on the minus strand). VCF-style: chr14-99257593-G-A. GRCh37 (hg19) VCF-style: chr14-99723930-G-A.
Other names: c.302C>T, p.Ser101Leu (NM_001282237.2, NM_001282238.2); c.305C>T, p.Ser102Leu (NM_022898.3); short protein forms S101L, S102L.
Identifiers: ClinVar variation 2197344 (VCV002197344.4), dbSNP rs887339908, ClinGen allele CA266117330.

ClinVar aggregate classification (germline): Uncertain significance (1 of 4 stars; one submission).

Allele frequency attached by ClinVar (database versions not stated): gnomAD exomes 0.00001; TOPMed 0.00001.
gnomAD v4.1: 8 of 1,614,116 alleles (0.0005%); highest among the groups gnomAD compares: Admixed American, 0.0033%; no homozygotes.

Submission:

Labcorp Genetics (formerly Invitae), Labcorp
Classification: Uncertain significance. Last evaluated: 2022-11-15. Review status: criteria provided, single submitter. Criteria: Invitae Variant Classification Sherloc (09022015). Collection method: clinical testing. Allele origin: germline.
Comment: In summary, the available evidence is currently insufficient to determine the role of this variant in disease. Therefore, it has been classified as a Variant of Uncertain Significance. Advanced modeling of protein sequence and biophysical properties (such as structural, functional, and spatial information, amino acid conservation, physicochemical variation, residue mobility, and thermodynamic stability) performed at Invitae indicates that this missense variant is not expected to disrupt BCL11B protein function. This variant has not been reported in the literature in individuals affected with BCL11B-related conditions. This variant is present in population databases (no rsID available, gnomAD 0.003%). This sequence change replaces serine, which is neutral and polar, with leucine, which is neutral and non-polar, at codon 102 of the BCL11B protein (p.Ser102Leu).